The following is an entry in ClinVar:

NM_181507.2(HPS5):c.3063G>A (p.Trp1021Ter)

Gene: HPS5 (HPS5 biogenesis of lysosomal organelles complex 2 subunit 2; minus strand). Cytogenetic location: 11p15.1.
Variant type: single nucleotide variant.
Coding change: c.3063G>A on transcript NM_181507.2 (MANE Select); coding-DNA position 3063, G replaced by A.
Protein change: p.Trp1021Ter; replaces tryptophan 1021 with a stop codon.
Molecular consequence: nonsense.
Genome position (GRCh38, 1-based): chr11:18,282,216, C>T on the plus strand (G>A on the coding strand, the complement: HPS5 is on the minus strand). VCF-style: chr11-18282216-C-T. GRCh37 (hg19) VCF-style: chr11-18303763-C-T.
Other names: c.2721G>A, p.Trp907Ter (NM_007216.4, NM_181508.2); short protein forms W907*, W1021*.
Identifiers: ClinVar variation 1458721 (VCV001458721.6), dbSNP rs2134205727, ClinGen allele CA379512526.

ClinVar aggregate classification (germline): Pathogenic (1 of 4 stars; one submission).

Submission:

Labcorp Genetics (formerly Invitae), Labcorp
Classification: Pathogenic. Last evaluated: 2021-04-21. Review status: criteria provided, single submitter. Criteria: Invitae Variant Classification Sherloc (09022015). Collection method: clinical testing. Allele origin: germline.
Comment: This sequence change creates a premature translational stop signal (p.Trp1021*) in the HPS5 gene. It is expected to result in an absent or disrupted protein product. Loss-of-function variants in HPS5 are known to be pathogenic (PMID: 12548288, 15296495, 21833017, 26785811). For these reasons, this variant has been classified as Pathogenic. This variant has not been reported in the literature in individuals with HPS5-related conditions. This variant is not present in population databases (ExAC no frequency).

Literature cited by the submitters: PubMed 12548288; PubMed 15296495; PubMed 21833017; PubMed 26785811.